The following is an entry in ClinVar:

NM_000053.4(ATP7B):c.727_728insA (p.Phe243fs)

Gene: ATP7B (ATPase copper transporting beta; minus strand). Cytogenetic location: 13q14.3.
Variant type: Insertion.
Coding change: c.727_728insA on transcript NM_000053.4 (MANE Select); coding-DNA positions 727 to 728, A inserted.
Protein change: p.Phe243fs; shifts the reading frame from phenylalanine 243.
Molecular consequence: frameshift variant.
Genome position: GRCh38 VCF-style: chr13-51974492-A-AT. GRCh37 (hg19) VCF-style: chr13-52548628-A-AT.
Other names: c.631_632insA, p.Phe211fs (NM_001406539.1, NM_001406543.1, NM_001406544.1 and 4 more transcripts); c.727_728insA, p.Phe243fs (NM_001406540.1, NM_001406541.1, NM_001406542.1 and 30 more transcripts); short protein forms F211fs, F243fs.
Identifiers: ClinVar variation 3236436 (VCV003236436.2), dbSNP rs2547819269, ClinGen allele CA2825002196.

ClinVar aggregate classification (germline): Likely pathogenic (1 of 4 stars; one submission).

Conditions:
Wilson disease (WND). Also called: Wilson's disease. Identifiers: Orphanet 905, MedGen C0019202, MONDO:0010200, OMIM 277900. Disease mechanism: loss of function.

Submission:

Neuberg Centre For Genomic Medicine, NCGM
Classification: Likely pathogenic for Wilson disease. Review status: criteria provided, single submitter. Criteria: ACMG Guidelines, 2015. Collection method: clinical testing. Allele origin: germline. Inheritance: Autosomal recessive inheritance. Affected: yes.
Comment: The frameshift c.727_728insA p.Phe243TyrfsTer2 variant in the ATP7B gene gene has not been reported previously as a pathogenic variant nor as a benign variant, to our knowledge. The variant is novel not in any individuals in gnomAD Exomes and 1000 Genomes. This variant causes a frameshift starting with codon Phenylalanine 243, changes this amino acid to Tyrosine residue, and creates a premature Stop codon at position 2 of the new reading frame, denoted p.Phe243TyrfsTer2. This variant is predicted to cause loss of normal protein function through protein truncation. Loss of function variants have been previously reported to be disease causing. For these reasons, this variant has been classified as Likely Pathogenic.